The following is an entry in ClinVar:

NM_198253.3(TERT):c.661G>A (p.Ala221Thr)

Gene: TERT (telomerase reverse transcriptase; minus strand). Cytogenetic location: 5p15.33.
Variant type: single nucleotide variant.
Coding change: c.661G>A on transcript NM_198253.3 (MANE Select); coding-DNA position 661, G replaced by A.
Protein change: p.Ala221Thr; replaces alanine 221 with threonine.
Molecular consequence: missense variant. On other transcripts: non-coding transcript variant (2).
Genome position (GRCh38, 1-based): chr5:1,294,225, C>T on the plus strand (G>A on the coding strand, the complement: TERT is on the minus strand). VCF-style: chr5-1294225-C-T. GRCh37 (hg19) VCF-style: chr5-1294340-C-T.
Other names: c.661G>A, p.Ala221Thr (NM_001193376.3); short protein forms A221T.
Identifiers: ClinVar variation 1504451 (VCV001504451.8), dbSNP rs2126688553, ClinGen allele CA359057082.
Genomic context (GRCh38, chr5:1,294,225, plus strand): 5'-CACGCCTGGGCCTCTTGGGCAACGGCAGACTTCGGCTGGCACTGCCCCCGCGCCTCCTCG[C>T]ACCCGGGGCTGGCAGGCCCAGGGGGACCCCGGCCTCCCTGACGCTATGGTTCCAGGCCCG-3'
Protein context (NP_937983.2, residues 211-231): GVPLGLPAPG[Ala221Thr]RRRGGSASRS

ClinVar aggregate classification (germline): Uncertain significance (1 of 4 stars; one submission).

Conditions:
Dyskeratosis congenita, autosomal dominant 2. Identifiers: MedGen C3151443, MONDO:0013521, OMIM 613989.
Idiopathic Pulmonary Fibrosis. Also called: Idiopathic fibrosing alveolitis, chronic form; idiopathic fibrosing alveolitis. Identifiers: Orphanet 2032, MedGen C1800706, MeSH D054990, MONDO:0800504.

Submission:

Labcorp Genetics (formerly Invitae), Labcorp
Classification: Uncertain significance for Dyskeratosis congenita, autosomal dominant 2; Idiopathic Pulmonary Fibrosis. Last evaluated: 2021-01-24. Review status: criteria provided, single submitter. Criteria: Invitae Variant Classification Sherloc (09022015). Collection method: clinical testing. Allele origin: germline.
Comment: This sequence change replaces alanine with threonine at codon 221 of the TERT protein (p.Ala221Thr). The alanine residue is weakly conserved and there is a small physicochemical difference between alanine and threonine. This variant is not present in population databases (ExAC no frequency). This variant has not been reported in the literature in individuals with TERT-related conditions. Advanced modeling of protein sequence and biophysical properties (such as structural, functional, and spatial information, amino acid conservation, physicochemical variation, residue mobility, and thermodynamic stability) performed at Invitae indicates that this missense variant is not expected to disrupt TERT protein function. In summary, the available evidence is currently insufficient to determine the role of this variant in disease. Therefore, it has been classified as a Variant of Uncertain Significance.